The following is an entry in ClinVar:

ClinVar aggregate classification (germline): Uncertain significance (0 of 4 stars; one submission).

Conditions:
MAGEL2-related disorder. Also called: MAGEL2-related condition.

gnomAD v4.1: 3 of 1,613,134 alleles (0.00019%); highest among the groups gnomAD compares: Non-Finnish European, 0.00025%; no homozygotes.

Submission:

PreventionGenetics, part of Exact Sciences
Classification: Uncertain significance for MAGEL2-related condition. Last evaluated: 2024-03-12. Review status: no assertion criteria provided. Collection method: clinical testing. Allele origin: germline.
Comment: The MAGEL2 c.3694G>A variant is predicted to result in the amino acid substitution p.Glu1232Lys. To our knowledge, this variant has not been reported in the literature. This variant is reported in 0.0018% of alleles in individuals of European (Non-Finnish) descent in gnomAD. At this time, the clinical significance of this variant is uncertain due to the absence of conclusive functional and genetic evidence.

NM_019066.5(MAGEL2):c.3694G>A (p.Glu1232Lys)

Gene: MAGEL2 (MAGE family member L2; minus strand). Cytogenetic location: 15q11.2.
Variant type: single nucleotide variant.
Coding change: c.3694G>A on transcript NM_019066.5 (MANE Select); coding-DNA position 3694, G replaced by A.
Protein change: p.Glu1232Lys; replaces glutamic acid 1232 with lysine.
Molecular consequence: missense variant.
Genome position (GRCh38, 1-based): chr15:23,644,049, C>T on the plus strand (G>A on the coding strand, the complement: MAGEL2 is on the minus strand). VCF-style: chr15-23644049-C-T. GRCh37 (hg19) VCF-style: chr15-23889196-C-T.
Other names: short protein forms E1232K.
Identifiers: ClinVar variation 3355746 (VCV003355746.1).